The following is an entry in ClinVar:

NM_000135.4(FANCA):c.1359+10C>T

Gene: FANCA (FA complementation group A; minus strand). Cytogenetic location: 16q24.3.
Variant type: single nucleotide variant.
Coding change: c.1359+10C>T on transcript NM_000135.4 (MANE Select); 10 bases into the intron after coding-DNA position 1359, C replaced by T.
Molecular consequence: intron variant.
Genome position (GRCh38, 1-based): chr16:89,791,393, G>A on the plus strand (C>T on the coding strand, the complement: FANCA is on the minus strand). VCF-style: chr16-89791393-G-A. GRCh37 (hg19) VCF-style: chr16-89857801-G-A.
Other names: c.1359+10C>T (LRG_495t1, NM_001286167.3, NM_000135.3).
Identifiers: ClinVar variation 321360 (VCV000321360.27), dbSNP rs34159559, ClinGen allele CA8252389.

ClinVar aggregate classification (germline): Benign/Likely benign. Review status: criteria provided, multiple submitters, no conflicts (2 of 4 stars). 7 submissions from 7 submitters: Benign (4); Likely benign (2). 1 of the submissions does not count toward it. Last evaluated 2026-01-31.

Conditions:
Fanconi anemia complementation group A (FANCA). Also called: Fanconi anemia, group A; FANCA-Related Fanconi Anemia. Identifiers: Orphanet 84, MedGen C3469521, MONDO:0009215, OMIM 227650.
Fanconi anemia (FA). Also called: Fanconi's anemia. Identifiers: Orphanet 84, MedGen C0015625, MeSH D005199, MONDO:0019391.

Allele frequency attached by ClinVar (database versions not stated): gnomAD exomes 0.00047 and 0.00129; ExAC 0.00169; 1000 Genomes Project 0.00439; gnomAD 0.00514 and 0.00557; 1000 Genomes Project 30x 0.00531; TOPMed 0.00596; ESP Exome Variant Server 0.00662.
gnomAD v4.1: 1,478 of 1,613,528 alleles (0.092%); highest among the groups gnomAD compares: African/African-American, 1.8%; 11 homozygotes.

Submissions (7):

Labcorp Genetics (formerly Invitae), Labcorp
Classification: Benign for Fanconi anemia. Last evaluated: 2026-01-31. Review status: criteria provided, single submitter. Criteria: Invitae Variant Classification Sherloc (09022015). Collection method: clinical testing. Allele origin: germline.

Quest Diagnostics Nichols Institute San Juan Capistrano
Classification: Benign. Last evaluated: 2025-11-04. Review status: criteria provided, single submitter. Criteria: Quest Diagnostics criteria. Collection method: clinical testing. Allele origin: unknown.

Blueprint Genetics
Classification: Likely benign. Last evaluated: 2024-11-22. Review status: criteria provided, single submitter. Criteria: ACMG Guidelines, 2015. Collection method: clinical testing. Allele origin: germline.

Genetic Services Laboratory, University of Chicago
Classification: Benign. Last evaluated: 2018-03-29. Review status: criteria provided, single submitter. Criteria: ACMG Guidelines, 2015. Collection method: clinical testing. Allele origin: germline. Affected: no.

Illumina Laboratory Services, Illumina
Classification: Benign for Fanconi anemia complementation group A. Last evaluated: 2018-01-13. Review status: criteria provided, single submitter. Criteria: ICSL Variant Classification Criteria 13 December 2019. Collection method: clinical testing. Allele origin: germline.
Comment: This variant was observed in the ICSL laboratory as part of a predisposition screen in an ostensibly healthy population. It had not been previously curated by ICSL or reported in the Human Gene Mutation Database (HGMD: prior to June 1st, 2018), and was therefore a candidate for classification through an automated scoring system. Utilizing variant allele frequency, disease prevalence and penetrance estimates, and inheritance mode, an automated score was calculated to assess if this variant is too frequent to cause the disease. Based on the score and internal cut-off values, a variant classified as benign is not then subjected to further curation. The score for this variant resulted in a classification of benign for this disease.

Center for Pediatric Genomic Medicine, Children's Mercy Hospital and Clinics
Classification: Likely benign. Last evaluated: 2017-05-03. Review status: criteria provided, single submitter. Criteria: ACMG Guidelines, 2015. Collection method: clinical testing. Allele origin: germline.

Natera, Inc.
Classification: Benign for Fanconi anemia. Last evaluated: 2019-10-18. Review status: no assertion criteria provided. Collection method: clinical testing. Allele origin: germline. Not counted in ClinVar's aggregate classification.